The following is an entry in ClinVar:

ClinVar aggregate classification (germline): Uncertain significance (1 of 4 stars; one submission).

Allele frequency attached by ClinVar (database versions not stated): gnomAD exomes below 0.00001; ExAC 0.00001; gnomAD 0.00003; TOPMed 0.00009.
gnomAD v4.1: 11 of 1,595,624 alleles (0.00069%); highest among the groups gnomAD compares: African/African-American, 0.013%; no homozygotes.

Submission:

Labcorp Genetics (formerly Invitae), Labcorp
Classification: Uncertain significance. Last evaluated: 2022-02-24. Review status: criteria provided, single submitter. Criteria: Invitae Variant Classification Sherloc (09022015). Collection method: clinical testing. Allele origin: germline.
Comment: This sequence change replaces glycine, which is neutral and non-polar, with arginine, which is basic and polar, at codon 405 of the OCA2 protein (p.Gly405Arg). This variant is present in population databases (rs768185678, gnomAD 0.007%). This variant has not been reported in the literature in individuals affected with OCA2-related conditions. Advanced modeling of protein sequence and biophysical properties (such as structural, functional, and spatial information, amino acid conservation, physicochemical variation, residue mobility, and thermodynamic stability) performed at Invitae indicates that this missense variant is expected to disrupt OCA2 protein function. In summary, the available evidence is currently insufficient to determine the role of this variant in disease. Therefore, it has been classified as a Variant of Uncertain Significance.

NM_000275.3(OCA2):c.1213G>A (p.Gly405Arg)

Gene: OCA2 (OCA2 melanosomal transmembrane protein; minus strand). Cytogenetic location: 15q13.1.
Variant type: single nucleotide variant.
Coding change: c.1213G>A on transcript NM_000275.3 (MANE Select); coding-DNA position 1213, G replaced by A.
Protein change: p.Gly405Arg; replaces glycine 405 with arginine.
Molecular consequence: missense variant.
Genome position (GRCh38, 1-based): chr15:27,986,613, C>T on the plus strand (G>A on the coding strand, the complement: OCA2 is on the minus strand). VCF-style: chr15-27986613-C-T. GRCh37 (hg19) VCF-style: chr15-28231759-C-T.
Other names: c.1141G>A, p.Gly381Arg (NM_001300984.2); short protein forms G405R, G381R.
Identifiers: ClinVar variation 1916372 (VCV001916372.2), dbSNP rs768185678, ClinGen allele CA7439141.